The following is an entry in ClinVar:

NM_181776.3(SLC36A2):c.408C>A (p.Asn136Lys)

Gene: SLC36A2 (solute carrier family 36 member 2; minus strand). Cytogenetic location: 5q33.1.
Variant type: single nucleotide variant.
Coding change: c.408C>A on transcript NM_181776.3 (MANE Select); coding-DNA position 408, C replaced by A.
Protein change: p.Asn136Lys; replaces asparagine 136 with lysine.
Molecular consequence: missense variant.
Genome position (GRCh38, 1-based): chr5:151,342,920, G>T on the plus strand (C>A on the coding strand, the complement: SLC36A2 is on the minus strand). VCF-style: chr5-151342920-G-T. GRCh37 (hg19) VCF-style: chr5-150722481-G-T.
Other names: short protein forms N136K.
Identifiers: ClinVar variation 3699385 (VCV003699385.2).
Genomic context (GRCh38, chr5:151,342,920, plus strand): 5'-CACTGCAGGCAAAGCAAGAACAGGTTACCTTCCCCAGTGAGCGTGATTCTGGAGCCAGGC[G>T]TTGGGGTTGGCTTCTAGTCCATGCATCACCGTGTCCCCATAGTCCATAAAGGGCTTGTTA-3'
Protein context (NP_861441.2, residues 126-146): TVMHGLEANP[Asn136Lys]AWLQNHAHWG

ClinVar aggregate classification (germline): Uncertain significance (1 of 4 stars; one submission).

gnomAD v4.1: 7 of 1,614,156 alleles (0.00043%); highest among the groups gnomAD compares: Non-Finnish European, 0.00059%; no homozygotes.

Submission:

Labcorp Genetics (formerly Invitae), Labcorp
Classification: Uncertain significance. Last evaluated: 2025-11-01. Review status: criteria provided, single submitter. Criteria: Invitae Variant Classification Sherloc (09022015). Collection method: clinical testing. Allele origin: germline.
Comment: This sequence change replaces asparagine, which is neutral and polar, with lysine, which is basic and polar, at codon 136 of the SLC36A2 protein (p.Asn136Lys). This variant is present in population databases (rs757471205, gnomAD 0.0009%). This variant has not been reported in the literature in individuals affected with SLC36A2-related conditions. ClinVar contains an entry for this variant (Variation ID: 3699385). An algorithm developed to predict the effect of missense changes on protein structure and function (PolyPhen-2) suggests that this variant is likely to be tolerated. In summary, the available evidence is currently insufficient to determine the role of this variant in disease. Therefore, it has been classified as a Variant of Uncertain Significance.